The following is an entry in ClinVar:

ClinVar aggregate classification (germline): Uncertain significance (1 of 4 stars; one submission).

Allele frequency attached by ClinVar (database versions not stated): gnomAD exomes below 0.00001.
gnomAD v4.1: 2 of 1,613,302 alleles (0.00012%); highest among the groups gnomAD compares: Non-Finnish European, 0.00017%; no homozygotes.

Submission:

Labcorp Genetics (formerly Invitae), Labcorp
Classification: Uncertain significance. Last evaluated: 2022-04-04. Review status: criteria provided, single submitter. Criteria: Invitae Variant Classification Sherloc (09022015). Collection method: clinical testing. Allele origin: germline.
Comment: This variant has not been reported in the literature in individuals affected with MTPAP-related conditions. This sequence change falls in intron 1 of the MTPAP gene. It does not directly change the encoded amino acid sequence of the MTPAP protein. It affects a nucleotide within the consensus splice site. This variant is present in population databases (no rsID available, gnomAD 0.0009%). Variants that disrupt the consensus splice site are a relatively common cause of aberrant splicing (PMID: 17576681, 9536098). Algorithms developed to predict the effect of sequence changes on RNA splicing suggest that this variant may disrupt the consensus splice site. In summary, the available evidence is currently insufficient to determine the role of this variant in disease. Therefore, it has been classified as a Variant of Uncertain Significance.

Literature cited by the submitters: PubMed 17576681; PubMed 9536098.

NM_018109.4(MTPAP):c.157+4A>T

Genes: MTPAP (mitochondrial poly(A) polymerase; minus strand), LOC130003597 (ATAC-STARR-seq lymphoblastoid active region 3206; plus strand). Cytogenetic location: 10p11.23.
Variant type: single nucleotide variant.
Coding change: c.157+4A>T on transcript NM_018109.4 (MANE Select); 4 bases into the intron after coding-DNA position 157, A replaced by T.
Molecular consequence: intron variant.
Genome position (GRCh38, 1-based): chr10:30,349,115, T>A on the plus strand (A>T on the coding strand, the complement: MTPAP is on the minus strand). VCF-style: chr10-30349115-T-A. GRCh37 (hg19) VCF-style: chr10-30638044-T-A.
Identifiers: ClinVar variation 2121670 (VCV002121670.4), dbSNP rs1420554378, ClinGen allele CA592781637.